The following is an entry in ClinVar:

ClinVar aggregate classification (germline): Likely benign (1 of 4 stars; one submission).

Conditions:
MELAS syndrome (MELAS). Also called: Juvenile myopathy, encephalopathy, lactic acidosis, stroke. Identifiers: Orphanet 550, MedGen C0162671, MONDO:0010789, OMIM 540000.

Submission:

Wong Mito Lab, Molecular and Human Genetics, Baylor College of Medicine
Classification: Likely benign for MELAS syndrome. Last evaluated: 2019-07-12. Review status: criteria provided, single submitter. Criteria: Modified ACMG Guidelines (Unpublished). Collection method: clinical testing. Allele origin: germline.
Comment: The NC_012920.1:m.15936A>G variant in MT-TT gene is interpreted to be a Likely Benign variant based on the modified ACMG guidelines (unpublished). This variant meets the following evidence codes reported in the guidelines: BS1, BP4

Literature cited by the submitters: PubMed 31965079.

NC_012920.1(MT-TT):m.15936A>G

Gene: MT-TT (mitochondrially encoded tRNA threonine; plus strand).
Variant type: single nucleotide variant.
Genome position: chrM-15936-A-G.
Identifiers: ClinVar variation 690244 (VCV000690244.1), dbSNP rs1556424701, ClinGen allele CA913175245.